The following is an entry in ClinVar:

ClinVar aggregate classification (germline): Likely benign (1 of 4 stars; one submission).

gnomAD v4.1: 2 of 1,210,112 alleles (0.00017%); highest among the groups gnomAD compares: Middle Eastern, 0.025%; no homozygotes.

Submission:

CeGaT Center for Human Genetics Tuebingen
Classification: Likely benign. Last evaluated: 2026-09-01. Review status: criteria provided, single submitter. Criteria: CeGaT Center For Human Genetics Tuebingen Variant Classification Criteria Version 2. Collection method: clinical testing. Allele origin: germline. Affected: yes. Observed: 2 variant alleles.
Comment: HUWE1: BP4, BP7

NM_031407.7(HUWE1):c.4038G>A (p.Glu1346=)

Gene: HUWE1 (HECT, UBA and WWE domain containing E3 ubiquitin protein ligase 1; minus strand). Cytogenetic location: Xp11.22.
Variant type: single nucleotide variant.
Coding change: c.4038G>A on transcript NM_031407.7 (MANE Select); coding-DNA position 4038, G replaced by A.
Protein change: p.Glu1346=; no amino-acid change (glutamic acid 1346 retained).
Molecular consequence: synonymous variant.
Genome position (GRCh38, 1-based): chrX:53,591,057, C>T on the plus strand (G>A on the coding strand, the complement: HUWE1 is on the minus strand). VCF-style: chrX-53591057-C-T. GRCh37 (hg19) VCF-style: chrX-53618017-C-T.
Other names: c.4038G>A, p.Glu1346= (NM_001441048.1, NM_001441049.1, NM_001441051.1 and 6 more transcripts); c.4059G>A, p.Glu1353= (NM_001441050.1, NM_001441055.1).
Identifiers: ClinVar variation 4281241 (VCV004281241.7).